The following is an entry in ClinVar:

NM_003672.4(CDC14A):c.907G>T (p.Glu303Ter)

Gene: CDC14A (cell division cycle 14A; plus strand). Cytogenetic location: 1p21.2.
Variant type: single nucleotide variant.
Coding change: c.907G>T on transcript NM_003672.4 (MANE Select); coding-DNA position 907, G replaced by T.
Protein change: p.Glu303Ter; replaces glutamic acid 303 with a stop codon.
Molecular consequence: nonsense.
Genome position (GRCh38, 1-based): chr1:100,468,024, G>T. VCF-style: chr1-100468024-G-T. GRCh37 (hg19) VCF-style: chr1-100933580-G-T.
Other names: c.907G>T, p.Glu303Ter (NM_001319210.2, NM_033312.3, NM_033313.3); c.733G>T, p.Glu245Ter (NM_001319211.2); c.28G>T, p.Glu10Ter (NM_001319212.2); short protein forms E10*, E245*, E303*.
Identifiers: ClinVar variation 2065531 (VCV002065531.4), dbSNP rs772540473, ClinGen allele CA970728.

ClinVar aggregate classification (germline): Pathogenic (1 of 4 stars; one submission).

Allele frequency attached by ClinVar (database versions not stated): gnomAD exomes below 0.00001; ExAC 0.00001.
gnomAD v4.1: 1 of 1,613,190 alleles (0.000062%); highest among the groups gnomAD compares: Non-Finnish European, 0.000085%; no homozygotes.

Submission:

Labcorp Genetics (formerly Invitae), Labcorp
Classification: Pathogenic. Last evaluated: 2021-12-29. Review status: criteria provided, single submitter. Criteria: Invitae Variant Classification Sherloc (09022015). Collection method: clinical testing. Allele origin: germline.
Comment: This variant has not been reported in the literature in individuals affected with CDC14A-related conditions. For these reasons, this variant has been classified as Pathogenic. This variant is present in population databases (rs772540473, gnomAD 0.0009%). This sequence change creates a premature translational stop signal (p.Glu303*) in the CDC14A gene. It is expected to result in an absent or disrupted protein product. Loss-of-function variants in CDC14A are known to be pathogenic (PMID: 27259055).

Literature cited by the submitters: PubMed 27259055.